The following is an entry in ClinVar:

ClinVar aggregate classification (germline): Conflicting classifications of pathogenicity. Review status: criteria provided, conflicting classifications (1 of 4 stars). 2 submissions from 2 submitters: Likely pathogenic (1); Uncertain significance (1). Last evaluated 2025-10-14.

Submissions (2):

Women's Health and Genetics/Laboratory Corporation of America, LabCorp
Classification: Uncertain significance. Last evaluated: 2025-10-14. Review status: criteria provided, single submitter. Criteria: LabCorp Variant Classification Summary - May 2015. Collection method: clinical testing. Allele origin: germline.
Comment: Variant summary: ABCA3 c.3563A>G (p.Tyr1188Cys) results in a non-conservative amino acid change located in the ABC-2 type transporter, transmembrane domain (IPR013525) of the encoded protein sequence. Algorithms developed to predict the effect of missense changes on protein structure and function all suggest that this variant is likely to be disruptive. The variant was absent in 250900 control chromosomes. The available data on variant occurrences in the general population are insufficient to allow any conclusion about variant significance. c.3563A>G has been reported in the literature in at least one compound heterozygous infant affected with Pulmonary surfactant metabolism dysfunction due to ABCA3 deficiency (Wambach_2014). These data do not provide sufficient evidence to allow any conclusion about variant significance. To our knowledge, no experimental evidence demonstrating an impact on protein function has been reported. The following publication have been ascertained in the context of this evaluation (PMID: 24871971). ClinVar contains an entry for this variant (Variation ID: 2910396). Based on the evidence outlined above, the variant was classified as uncertain significance.

Labcorp Genetics (formerly Invitae), Labcorp
Classification: Likely pathogenic. Last evaluated: 2023-08-31. Review status: criteria provided, single submitter. Criteria: Invitae Variant Classification Sherloc (09022015). Collection method: clinical testing. Allele origin: germline.
Comment: In summary, the currently available evidence indicates that the variant is pathogenic, but additional data are needed to prove that conclusively. Therefore, this variant has been classified as Likely Pathogenic. Advanced modeling of protein sequence and biophysical properties (such as structural, functional, and spatial information, amino acid conservation, physicochemical variation, residue mobility, and thermodynamic stability) performed at Invitae indicates that this missense variant is expected to disrupt ABCA3 protein function. This missense change has been observed in individual(s) with autosomal recessive pulmonary disease (PMID: 24871971). In at least one individual the data is consistent with being in trans (on the opposite chromosome) from a pathogenic variant. This variant is not present in population databases (gnomAD no frequency). This sequence change replaces tyrosine, which is neutral and polar, with cysteine, which is neutral and slightly polar, at codon 1188 of the ABCA3 protein (p.Tyr1188Cys).

Literature cited by the submitters: PubMed 24871971 (cited by Women's Health and Genetics/Laboratory Corporation of America, LabCorp and Labcorp Genetics (formerly Invitae), Labcorp).

NM_001089.3(ABCA3):c.3563A>G (p.Tyr1188Cys)

Gene: ABCA3 (ATP binding cassette subfamily A member 3; minus strand). Cytogenetic location: 16p13.3.
Variant type: single nucleotide variant.
Coding change: c.3563A>G on transcript NM_001089.3 (MANE Select); coding-DNA position 3563, A replaced by G.
Protein change: p.Tyr1188Cys; replaces tyrosine 1188 with cysteine.
Molecular consequence: missense variant.
Genome position (GRCh38, 1-based): chr16:2,284,919, T>C on the plus strand (A>G on the coding strand, the complement: ABCA3 is on the minus strand). VCF-style: chr16-2284919-T-C. GRCh37 (hg19) VCF-style: chr16-2334920-T-C.
Other names: short protein forms Y1188C.
Identifiers: ClinVar variation 2910396 (VCV002910396.6), dbSNP rs2505622044, ClinGen allele CA394316080.